The following is an entry in ClinVar:

ClinVar aggregate classification (germline): Uncertain significance. Review status: criteria provided, multiple submitters, no conflicts (2 of 4 stars). 3 submissions from 3 submitters: Uncertain significance (2). 1 of the submissions does not count toward it. Last evaluated 2022-10-26.

Conditions:
GPBAR1-related disorder. Also called: GPBAR1-related condition.

Allele frequency attached by ClinVar (database versions not stated): gnomAD exomes 0.00013 and 0.00022; gnomAD 0.00014; TOPMed 0.00014; ExAC 0.00018.

Submissions (3):

Ambry Genetics
Classification: Uncertain significance. Last evaluated: 2022-10-26. Review status: criteria provided, single submitter. Criteria: Ambry Variant Classification Scheme 2023. Collection method: clinical testing. Allele origin: germline.

Eurofins Ntd Llc (ga)
Classification: Uncertain significance. Last evaluated: 2017-03-28. Review status: criteria provided, single submitter. Criteria: EGL Classification Definitions 2015. Collection method: clinical testing. Allele origin: germline. Observed: 1 variant allele, 1 heterozygote.

PreventionGenetics, part of Exact Sciences
Classification: Likely benign for GPBAR1-related condition. Last evaluated: 2023-12-06. Review status: no assertion criteria provided. Collection method: clinical testing. Allele origin: germline. Not counted in ClinVar's aggregate classification.
Comment: This variant is classified as likely benign based on ACMG/AMP sequence variant interpretation guidelines (Richards et al. 2015 PMID: 25741868, with internal and published modifications).

NM_170699.3(GPBAR1):c.334A>G (p.Met112Val)

Gene: GPBAR1 (G protein-coupled bile acid receptor 1; plus strand). Cytogenetic location: 2q35.
Variant type: single nucleotide variant.
Coding change: c.334A>G on transcript NM_170699.3 (MANE Select); coding-DNA position 334, A replaced by G.
Protein change: p.Met112Val; replaces methionine 112 with valine.
Molecular consequence: missense variant.
Genome position (GRCh38, 1-based): chr2:218,263,058, A>G. VCF-style: chr2-218263058-A-G. GRCh37 (hg19) VCF-style: chr2-219127781-A-G.
Other names: c.334A>G, p.Met112Val (NM_001077191.2, NM_001077194.2, NM_001321950.2); c.334A>G (NM_001077191.1, NM_001321950.1); short protein forms M112V.
Identifiers: ClinVar variation 501141 (VCV000501141.9), dbSNP rs202032682, ClinGen allele CA2102562.